The following is an entry in ClinVar:

ClinVar aggregate classification (germline): Uncertain significance (1 of 4 stars; one submission).

Conditions:
Inborn genetic diseases. Identifiers: MedGen C0950123, MeSH D030342.

Submission:

Ambry Genetics
Classification: Uncertain significance for Inborn genetic diseases. Last evaluated: 2025-08-20. Review status: criteria provided, single submitter. Criteria: Ambry Variant Classification Scheme 2023. Collection method: clinical testing. Allele origin: germline.
Comment: The p.L1066V variant (also known as c.3196C>G), located in coding exon 14 of the FANCM gene, results from a C to G substitution at nucleotide position 3196. The leucine at codon 1066 is replaced by valine, an amino acid with highly similar properties. This amino acid position is conserved. In addition, this alteration is predicted to be tolerated by in silico analysis. Based on the available evidence, the clinical significance of this variant remains unclear.

NM_020937.4(FANCM):c.3196C>G (p.Leu1066Val)

Gene: FANCM (FA complementation group M; plus strand). Cytogenetic location: 14q21.2.
Variant type: single nucleotide variant.
Coding change: c.3196C>G on transcript NM_020937.4 (MANE Select); coding-DNA position 3196, C replaced by G.
Protein change: p.Leu1066Val; replaces leucine 1066 with valine.
Molecular consequence: missense variant.
Genome position (GRCh38, 1-based): chr14:45,175,950, C>G. VCF-style: chr14-45175950-C-G. GRCh37 (hg19) VCF-style: chr14-45645153-C-G.
Other names: c.3118C>G, p.Leu1040Val (NM_001308133.2); short protein forms L1040V, L1066V.
Identifiers: ClinVar variation 4254683 (VCV004254683.1).